The following is an entry in ClinVar:

ClinVar aggregate classification (germline): Conflicting classifications of pathogenicity. Review status: criteria provided, conflicting classifications (1 of 4 stars). 2 submissions from 2 submitters: Uncertain significance (1); Likely benign (1). Last evaluated 2025-04-09.

Conditions:
NRAP-related disorder. Also called: NRAP-related condition.
Cardiovascular phenotype. Identifiers: MedGen CN230736.

gnomAD v4.1: 292 of 1,606,496 alleles (0.018%); highest among the groups gnomAD compares: South Asian, 0.22%; 1 homozygote.

Submissions (2):

Molecular Diagnostic Laboratory for Inherited Cardiovascular Disease, Montreal Heart Institute
Classification: Uncertain significance for Cardiovascular phenotype. Last evaluated: 2025-04-09. Review status: criteria provided, single submitter. Criteria: ACMG Guidelines, 2015. Collection method: clinical testing. Allele origin: germline. Affected: yes.

PreventionGenetics, part of Exact Sciences
Classification: Likely benign for NRAP-related condition. Last evaluated: 2024-12-06. Review status: criteria provided, single submitter. Criteria: ACMG Guidelines, 2015. Collection method: clinical testing. Allele origin: germline.
Comment: This variant is classified as likely benign based on ACMG/AMP sequence variant interpretation guidelines (Richards et al. 2015 PMID: 25741868, with internal and published modifications).

NM_198060.4(NRAP):c.4343G>A (p.Arg1448His)

Gene: NRAP (nebulin related anchoring protein; minus strand). Cytogenetic location: 10q25.3.
Variant type: single nucleotide variant.
Coding change: c.4343G>A on transcript NM_198060.4 (MANE Select); coding-DNA position 4343, G replaced by A.
Protein change: p.Arg1448His; replaces arginine 1448 with histidine.
Molecular consequence: missense variant.
Genome position (GRCh38, 1-based): chr10:113,597,174, C>T on the plus strand (G>A on the coding strand, the complement: NRAP is on the minus strand). VCF-style: chr10-113597174-C-T. GRCh37 (hg19) VCF-style: chr10-115356933-C-T.
Other names: c.4343G>A (NM_001261463.1); c.4343G>A, p.Arg1448His (NM_001261463.2); c.4235G>A, p.Arg1412His (NM_001322945.2); c.4238G>A, p.Arg1413His (NM_006175.5); short protein forms R1412H, R1413H, R1448H.
Identifiers: ClinVar variation 3895321 (VCV003895321.2), dbSNP rs373953176.